The following is an entry in ClinVar:

ClinVar aggregate classification (germline): Likely benign (1 of 4 stars; one submission).

Allele frequency attached by ClinVar (database versions not stated): 1000 Genomes Project 0.00319.
gnomAD v4.1: 302 of 144,492 alleles (0.21%); highest among the groups gnomAD compares: African/African-American, 0.75%; 12 homozygotes.

Submission:

CeGaT Center for Human Genetics Tuebingen
Classification: Likely benign. Last evaluated: 2022-12-01. Review status: criteria provided, single submitter. Criteria: CeGaT Center For Human Genetics Tuebingen Variant Classification Criteria Version 2. Collection method: clinical testing. Allele origin: germline. Affected: yes. Observed: 1 variant allele.
Comment: CHMP1A: BS2

NM_002768.5(CHMP1A):c.253-222G>A

Gene: CHMP1A (charged multivesicular body protein 1A; minus strand). Cytogenetic location: 16q24.3.
Variant type: single nucleotide variant.
Coding change: c.253-222G>A on transcript NM_002768.5 (MANE Select); 222 bases into the intron before coding-DNA position 253, G replaced by A.
Molecular consequence: intron variant.
Genome position (GRCh38, 1-based): chr16:89,647,553, C>T on the plus strand (G>A on the coding strand, the complement: CHMP1A is on the minus strand). VCF-style: chr16-89647553-C-T. GRCh37 (hg19) VCF-style: chr16-89713961-C-T.
Other names: c.233-222G>A (NM_001083314.4).
Identifiers: ClinVar variation 2647119 (VCV002647119.24), dbSNP rs548753744, ClinGen allele CA286550897.
Genomic context (GRCh38, chr16:89,647,553, plus strand): 5'-GACCACCAACTCGACGGAAAAGGCCATGGAGACCCAGTGCGGGGTCAGTGGAGAAAAGGC[C>T]GCCGACGTGGAGACCCAGTGCGGGGTCAGTGGAGAAAAGGCCGCCGACGTGGAGACCCAG-3'